The following is an entry in ClinVar:

ClinVar aggregate classification (germline): Benign/Likely benign. Review status: criteria provided, multiple submitters, no conflicts (2 of 4 stars). 3 submissions from 3 submitters: Benign (1); Likely benign (1). 1 of the submissions does not count toward it. Last evaluated 2018-05-16.

Conditions:
BCOR-related disorder. Also called: BCOR-related condition; BCOR-related disorders.
History of neurodevelopmental disorder. Identifiers: MedGen C2711754.

Allele frequency attached by ClinVar (database versions not stated): gnomAD exomes 0.00001 and below 0.00001; TOPMed 0.00002; gnomAD 0.00001.
gnomAD v4.1: 5 of 1,210,393 alleles (0.00041%); highest among the groups gnomAD compares: African/African-American, 0.0017%; no homozygotes.

Submissions (3):

Labcorp Genetics (formerly Invitae), Labcorp
Classification: Likely benign. Last evaluated: 2018-05-16. Review status: criteria provided, single submitter. Criteria: Invitae Variant Classification Sherloc (09022015). Collection method: clinical testing. Allele origin: germline.

Ambry Genetics
Classification: Benign for History of neurodevelopmental disorder. Last evaluated: 2010-10-28. Review status: criteria provided, single submitter. Criteria: Ambry Autosomal Dominant and X-Linked criteria (10/2015). Collection method: clinical testing. Allele origin: germline. Observed: 1 variant allele.

PreventionGenetics, part of Exact Sciences
Classification: Likely benign for BCOR-related condition. Last evaluated: 2022-05-09. Review status: no assertion criteria provided. Collection method: clinical testing. Allele origin: germline. Not counted in ClinVar's aggregate classification.
Comment: This variant is classified as likely benign based on ACMG/AMP sequence variant interpretation guidelines (Richards et al. 2015 PMID: 25741868, with internal and published modifications).

NM_001123385.2(BCOR):c.780C>T (p.Ser260=)

Genes: BCOR (BCL6 corepressor; minus strand), LOC126863239 (MED14-independent group 3 enhancer GRCh37_chrX:39932994-39934193; plus strand). Cytogenetic location: Xp11.4.
Variant type: single nucleotide variant.
Coding change: c.780C>T on transcript NM_001123385.2 (MANE Select); coding-DNA position 780, C replaced by T.
Protein change: p.Ser260=; no amino-acid change (serine 260 retained).
Molecular consequence: synonymous variant.
Genome position (GRCh38, 1-based): chrX:40,074,566, G>A on the plus strand (C>T on the coding strand, the complement: BCOR is on the minus strand). VCF-style: chrX-40074566-G-A. GRCh37 (hg19) VCF-style: chrX-39933819-G-A.
Other names: c.780C>T, p.Ser260= (NM_001123383.2, NM_001123384.2, NM_017745.6).
Identifiers: ClinVar variation 590203 (VCV000590203.8), dbSNP rs1430817668, ClinGen allele CA516346610.